The following is an entry in ClinVar:

NM_001032382.2(PQBP1):c.393_413del (p.127GHDKSDR[1])

Gene: PQBP1 (polyglutamine binding protein 1; plus strand). Cytogenetic location: Xp11.23.
Variant type: Deletion.
Coding change: c.393_413del on transcript NM_001032382.2 (MANE Select); coding-DNA positions 393 to 413, 21 bases deleted (AGACCGGGGCCACGACAAGTC).
Protein change: p.127GHDKSDR[1].
Molecular consequence: inframe deletion. On other transcripts: intron variant (2).
Genome position (GRCh38, 1-based): chrX:48,902,333-48,902,353, AGACCGGGGCCACGACAAGTC deleted; deleting any 21 consecutive bases within chrX:48,902,317-48,902,353 gives the same sequence; the c. name uses the placement nearest the transcript's 3' end. VCF-style (leftmost placement, unchanged base first): chrX-48902316-AGGGGCCACGACAAGTCAGACC-A. GRCh37 (hg19) VCF-style: chrX-48759593-AGGGGCCACGACAAGTCAGACC-A.
Other names: c.393_413del, p.127GHDKSDR[1] (NM_001032381.2, NM_001032383.2, NM_001032384.1 and 2 more transcripts); c.369_389del, p.119GHDKSDR[1] (NM_001167990.2); c.292+291_292+311del (NM_144495.3); c.202-109_202-89del (NM_001167992.1); c.393_413del21 (NM_001032383.1, NM_005710.2).
Identifiers: ClinVar variation 284597 (VCV000284597.25), dbSNP rs782547972, ClinGen allele CA10405910.

ClinVar aggregate classification (germline): Conflicting classifications of pathogenicity. Review status: criteria provided, conflicting classifications (1 of 4 stars). 7 submissions from 7 submitters: Uncertain significance (3); Benign (2); Likely benign (1). 1 of the submissions does not count toward it. Last evaluated 2025-11-01.

Conditions:
PQBP1-related disorder. Also called: PQBP1-related condition.
Inborn genetic diseases. Identifiers: MedGen C0950123, MeSH D030342.

Submissions (7):

CeGaT Center for Human Genetics Tuebingen
Classification: Uncertain significance. Last evaluated: 2025-11-01. Review status: criteria provided, single submitter. Criteria: CeGaT Center For Human Genetics Tuebingen Variant Classification Criteria Version 2. Collection method: clinical testing. Allele origin: germline. Affected: yes. Observed: 1 variant allele.
Comment: PQBP1: PM4

Labcorp Genetics (formerly Invitae), Labcorp
Classification: Benign. Last evaluated: 2025-03-17. Review status: criteria provided, single submitter. Criteria: Invitae Variant Classification Sherloc (09022015). Collection method: clinical testing. Allele origin: germline.

Ambry Genetics
Classification: Uncertain significance for Inborn genetic diseases. Last evaluated: 2021-01-29. Review status: criteria provided, single submitter. Criteria: Ambry Variant Classification Scheme 2023. Collection method: clinical testing. Allele origin: germline.
Comment: The c.393_413del21 (p.G134_R140del) alteration is located in exon 5 (coding exon 4) of the PQBP1 gene. This alteration consists of an in-frame deletion of 21 nucleotides between nucleotide positions c.393 and c.413, resulting in the deletion of 7 residues. Based on insufficient or conflicting evidence, the clinical significance of this alteration remains unclear.

GeneDx
Classification: Benign. Last evaluated: 2020-03-25. Review status: criteria provided, single submitter. Criteria: GeneDx Variant Classification Process June 2021. Collection method: clinical testing. Allele origin: germline. Affected: yes.
Comment: This variant is associated with the following publications: (PMID: 16493439)

Genetic Services Laboratory, University of Chicago
Classification: Uncertain significance. Last evaluated: 2016-12-27. Review status: criteria provided, single submitter. Criteria: ACMG Guidelines, 2015. Collection method: clinical testing. Allele origin: germline. Affected: no.

Eurofins Ntd Llc (ga)
Classification: Likely benign. Last evaluated: 2015-11-12. Review status: criteria provided, single submitter. Criteria: EGL Classification Definitions 2015. Collection method: clinical testing. Allele origin: germline. Observed: 1 variant allele, 1 hemizygote.

PreventionGenetics, part of Exact Sciences
Classification: Likely benign for PQBP1-related condition. Last evaluated: 2020-11-02. Review status: no assertion criteria provided. Collection method: clinical testing. Allele origin: germline. Not counted in ClinVar's aggregate classification.
Comment: This variant is classified as likely benign based on ACMG/AMP sequence variant interpretation guidelines (Richards et al. 2015 PMID: 25741868, with internal and published modifications).